The following is an entry in ClinVar:

NM_020461.4(TUBGCP6):c.5102C>T (p.Ala1701Val)

Gene: TUBGCP6 (tubulin gamma complex component 6; minus strand). Cytogenetic location: 22q13.33.
Variant type: single nucleotide variant.
Coding change: c.5102C>T on transcript NM_020461.4 (MANE Select); coding-DNA position 5102, C replaced by T.
Protein change: p.Ala1701Val; replaces alanine 1701 with valine.
Molecular consequence: missense variant.
Genome position (GRCh38, 1-based): chr22:50,218,255, G>A on the plus strand (C>T on the coding strand, the complement: TUBGCP6 is on the minus strand). VCF-style: chr22-50218255-G-A. GRCh37 (hg19) VCF-style: chr22-50656684-G-A.
Other names: short protein forms A1701V.
Identifiers: ClinVar variation 1377940 (VCV001377940.6), dbSNP rs2064451888, ClinGen allele CA412164152.

ClinVar aggregate classification (germline): Uncertain significance (1 of 4 stars; one submission).

Allele frequency attached by ClinVar (database versions not stated): gnomAD 0.00001; TOPMed 0.00001.

Submission:

Labcorp Genetics (formerly Invitae), Labcorp
Classification: Uncertain significance. Last evaluated: 2022-02-23. Review status: criteria provided, single submitter. Criteria: Invitae Variant Classification Sherloc (09022015). Collection method: clinical testing. Allele origin: germline.
Comment: In summary, the available evidence is currently insufficient to determine the role of this variant in disease. Therefore, it has been classified as a Variant of Uncertain Significance. Algorithms developed to predict the effect of missense changes on protein structure and function are either unavailable or do not agree on the potential impact of this missense change (SIFT: "Tolerated"; PolyPhen-2: "Probably Damaging"; Align-GVGD: "Class C0"). This variant has not been reported in the literature in individuals affected with TUBGCP6-related conditions. This variant is not present in population databases (gnomAD no frequency). This sequence change replaces alanine, which is neutral and non-polar, with valine, which is neutral and non-polar, at codon 1701 of the TUBGCP6 protein (p.Ala1701Val).